The following is an entry in ClinVar:

ClinVar aggregate classification (germline): Uncertain significance. Review status: criteria provided, multiple submitters, no conflicts (2 of 4 stars). 2 submissions from 2 submitters: Uncertain significance (2). Last evaluated 2024-05-30.

Conditions:
Inborn genetic diseases. Identifiers: MedGen C0950123, MeSH D030342.

gnomAD v4.1: 1 of 1,609,206 alleles (0.000062%); highest among the groups gnomAD compares: Non-Finnish European, 0.000085%; no homozygotes.

Submissions (2):

Ambry Genetics
Classification: Uncertain significance for Inborn genetic diseases. Last evaluated: 2024-05-30. Review status: criteria provided, single submitter. Criteria: Ambry Variant Classification Scheme 2023. Collection method: clinical testing. Allele origin: germline.

Mayo Clinic Laboratories, Mayo Clinic
Classification: Uncertain significance. Last evaluated: 2023-12-19. Review status: criteria provided, single submitter. Criteria: ACMG Guidelines, 2015. Collection method: clinical testing. Allele origin: germline. Observed: 1 variant allele.
Comment: BP4, PM2_moderate

NM_003906.5(MCM3AP):c.3061G>A (p.Glu1021Lys)

Gene: MCM3AP (minichromosome maintenance complex component 3 associated protein; minus strand). Cytogenetic location: 21q22.3.
Variant type: single nucleotide variant.
Coding change: c.3061G>A on transcript NM_003906.5 (MANE Select); coding-DNA position 3061, G replaced by A.
Protein change: p.Glu1021Lys; replaces glutamic acid 1021 with lysine.
Molecular consequence: missense variant.
Genome position (GRCh38, 1-based): chr21:46,265,494, C>T on the plus strand (G>A on the coding strand, the complement: MCM3AP is on the minus strand). VCF-style: chr21-46265494-C-T. GRCh37 (hg19) VCF-style: chr21-47685408-C-T.
Other names: p.Glu1021Lys; short protein forms E1021K.
Identifiers: ClinVar variation 3293677 (VCV003293677.2).